The following is an entry in ClinVar:

ClinVar aggregate classification (germline): Likely benign (1 of 4 stars; one submission).

Allele frequency attached by ClinVar (database versions not stated): gnomAD 0.00001; gnomAD exomes 0.00001; TOPMed 0.00001.
gnomAD v4.1: 5 of 1,614,132 alleles (0.00031%); highest among the groups gnomAD compares: East Asian, 0.0022%; no homozygotes.

Submission:

GeneDx
Classification: Likely benign. Last evaluated: 2017-07-07. Review status: criteria provided, single submitter. Criteria: GeneDx Variant Classification (06012015). Collection method: clinical testing. Allele origin: germline. Affected: yes.
Comment: This variant is considered likely benign or benign based on one or more of the following criteria: it is a conservative change, it occurs at a poorly conserved position in the protein, it is predicted to be benign by multiple in silico algorithms, and/or has population frequency not consistent with disease.

NM_001243133.2(NLRP3):c.1800G>A (p.Gln600=)

Gene: NLRP3 (NLR family pyrin domain containing 3; plus strand). Cytogenetic location: 1q44.
Variant type: single nucleotide variant.
Coding change: c.1800G>A on transcript NM_001243133.2 (MANE Select); coding-DNA position 1800, G replaced by A.
Protein change: p.Gln600=; no amino-acid change (glutamine 600 retained).
Molecular consequence: synonymous variant.
Genome position (GRCh38, 1-based): chr1:247,425,249, G>A. VCF-style: chr1-247425249-G-A. GRCh37 (hg19) VCF-style: chr1-247588551-G-A.
Other names: c.1800G>A, p.Gln600= (NM_001079821.3, NM_001127461.3, NM_001127462.3 and 1 more transcripts); c.1806G>A, p.Gln602= (NM_004895.5).
Identifiers: ClinVar variation 510749 (VCV000510749.1), dbSNP rs1018524884, ClinGen allele CA40692240.
Genomic context (GRCh38, chr1:247,425,249, plus strand): 5'-CCTGGTAAACCAGGAGAGGACCTCCTACTTGGAGAAGAAATTAAGTTGCAAGATCTCTCA[G>A]CAAATCAGGCTGGAGCTGCTGAAATGGATTGAAGTGAAAGCCAAAGCTAAAAAGCTGCAG-3'
Protein context (NP_001230062.1, residues 590-610): LEKKLSCKIS[Gln600=]QIRLELLKWI